The following is an entry in ClinVar:

ClinVar aggregate classification (germline): Uncertain significance (1 of 4 stars; one submission).

Conditions:
Developmental and epileptic encephalopathy 102. Identifiers: MedGen C5676991, MONDO:0030881, OMIM 619881.

gnomAD v4.1: 187 of 1,588,222 alleles (0.012%); highest among the groups gnomAD compares: Admixed American, 0.3%; no homozygotes.

Submission:

3billion
Classification: Uncertain significance for Developmental and epileptic encephalopathy 102. Last evaluated: 2025-05-22. Review status: criteria provided, single submitter. Criteria: ACMG Guidelines, 2015. Collection method: clinical testing. Allele origin: germline. Affected: yes.
Comment: The variant is observed at an extremely low frequency in the gnomAD v4.1.0 dataset (total allele frequency: 0.012%). Predicted Consequence/Location: Intron variant In silico tools predict the variant to alter splicing and produce an abnormal transcript [SpliceAI: 0.12 (spliceogenicity >=0.2, non-spliceogenicity <0.1)]. Therefore, this variant is classified as VUS according to the recommendation of ACMG/AMP guideline.

NM_006841.6(SLC38A3):c.1306+37C>T

Gene: SLC38A3 (solute carrier family 38 member 3; plus strand). Cytogenetic location: 3p21.31.
Variant type: single nucleotide variant.
Coding change: c.1306+37C>T on transcript NM_006841.6 (MANE Select); 37 bases into the intron after coding-DNA position 1306, C replaced by T.
Molecular consequence: intron variant.
Genome position (GRCh38, 1-based): chr3:50,218,985, C>T. VCF-style: chr3-50218985-C-T. GRCh37 (hg19) VCF-style: chr3-50256417-C-T.
Identifiers: ClinVar variation 4855370 (VCV004855370.1).
Genomic context (GRCh38, chr3:50,218,985, plus strand): 5'-TCCTGGGCATCTTTGGGGTCATCGGTGAGGGTCTGGCCCTGCTGTGGAAGCAGGGTATTG[C>T]CCCAGAGGATTTCAACTCTGCAAATCCTGGCAGATTCCTGAGCTTACACCCTACATTAAG-3'